The following is an entry in ClinVar:

ClinVar aggregate classification (germline): Uncertain significance. Review status: criteria provided, multiple submitters, no conflicts (2 of 4 stars). 2 submissions from 2 submitters: Uncertain significance (2). Last evaluated 2025-10-27.

Allele frequency attached by ClinVar (database versions not stated): gnomAD exomes below 0.00001 and 0.00001; TOPMed 0.00001; ExAC 0.00002.
gnomAD v4.1: 5 of 1,613,650 alleles (0.00031%); highest among the groups gnomAD compares: East Asian, 0.0045%; no homozygotes.

Submissions (2):

Labcorp Genetics (formerly Invitae), Labcorp
Classification: Uncertain significance. Last evaluated: 2025-10-27. Review status: criteria provided, single submitter. Criteria: Invitae Variant Classification Sherloc (09022015). Collection method: clinical testing. Allele origin: germline.
Comment: This sequence change replaces tyrosine, which is neutral and polar, with cysteine, which is neutral and slightly polar, at codon 631 of the SLC9A3 protein (p.Tyr631Cys). This variant is present in population databases (rs758777416, gnomAD 0.006%). This variant has not been reported in the literature in individuals affected with SLC9A3-related conditions. ClinVar contains an entry for this variant (Variation ID: 1310846). An algorithm developed to predict the effect of missense changes on protein structure and function (PolyPhen-2) suggests that this variant is likely to be disruptive. In summary, the available evidence is currently insufficient to determine the role of this variant in disease. Therefore, it has been classified as a Variant of Uncertain Significance.

GeneDx
Classification: Uncertain significance. Last evaluated: 2019-11-30. Review status: criteria provided, single submitter. Criteria: GeneDx Variant Classification Process June 2021. Collection method: clinical testing. Allele origin: germline. Affected: yes.
Comment: In silico analysis, which includes protein predictors and evolutionary conservation, supports a deleterious effect; Has not been previously published as pathogenic or benign to our knowledge

NM_004174.4(SLC9A3):c.1892A>G (p.Tyr631Cys)

Genes: SLC9A3 (solute carrier family 9 member A3), SLC9A3-AS1 (SLC9A3 antisense RNA 1; plus strand). Cytogenetic location: 5p15.33.
Variant type: single nucleotide variant.
Coding change: c.1892A>G on transcript NM_004174.4 (MANE Select); coding-DNA position 1892, A replaced by G.
Protein change: p.Tyr631Cys; replaces tyrosine 631 with cysteine.
Molecular consequence: missense variant. On other transcripts: non-coding transcript variant (1).
Genome position (GRCh38, 1-based): chr5:476,377, T>C on the plus strand (A>G on the coding strand, the complement: SLC9A3 is on the minus strand). VCF-style: chr5-476377-T-C. GRCh37 (hg19) VCF-style: chr5-476492-T-C.
Other names: c.1865A>G, p.Tyr622Cys (NM_001284351.3); short protein forms Y622C, Y631C.
Identifiers: ClinVar variation 1310846 (VCV001310846.6), dbSNP rs758777416, ClinGen allele CA3175650.
Genomic context (GRCh38, chr5:476,377, plus strand): 5'-TCCCGGTCCTGTTTCTCGTCCTCCGTGGGCGTGAGCTCGTGTCGGCTGTACAGATGCTTG[T>C]ACTGCGGGATCAGGCACGGAGGTCACAGCTGTGCCCACCGCCGGACATTCTCGCCCTCCT-3'
Protein context (NP_004165.2, residues 621-641): QQYLYKPRQE[Tyr631Cys]KHLYSRHELT